The following is an entry in ClinVar:

ClinVar aggregate classification (germline): Uncertain significance. Review status: criteria provided, single submitter (1 of 4 stars). 2 submissions from 2 submitters: Uncertain significance (1). 1 of the submissions does not count toward it. Last evaluated 2025-06-08.

Conditions:
KSR2-related disorder. Also called: KSR2-related condition.

Allele frequency attached by ClinVar (database versions not stated): gnomAD exomes 0.00004; ExAC 0.00019; 1000 Genomes Project 30x 0.00031; 1000 Genomes Project 0.00040; TOPMed 0.00065; gnomAD 0.00066; ESP Exome Variant Server 0.00071.
gnomAD v4.1: 165 of 1,613,956 alleles (0.01%); highest among the groups gnomAD compares: African/African-American, 0.2%; no homozygotes.

Submissions (2):

Labcorp Genetics (formerly Invitae), Labcorp
Classification: Uncertain significance. Last evaluated: 2025-06-08. Review status: criteria provided, single submitter. Criteria: Invitae Variant Classification Sherloc (09022015). Collection method: clinical testing. Allele origin: germline.
Comment: This sequence change replaces glutamic acid, which is acidic and polar, with valine, which is neutral and non-polar, at codon 638 of the KSR2 protein (p.Glu638Val). This variant is present in population databases (rs150163296, gnomAD 0.2%), and has an allele count higher than expected for a pathogenic variant. This missense change has been observed in individual(s) with severe obesity (PMID: 24209692). ClinVar contains an entry for this variant (Variation ID: 3042444). An algorithm developed to predict the effect of missense changes on protein structure and function (PolyPhen-2) suggests that this variant is likely to be tolerated. In summary, the available evidence is currently insufficient to determine the role of this variant in disease. Therefore, it has been classified as a Variant of Uncertain Significance.

PreventionGenetics, part of Exact Sciences
Classification: Likely benign for KSR2-related condition. Last evaluated: 2022-02-03. Review status: no assertion criteria provided. Collection method: clinical testing. Allele origin: germline. Not counted in ClinVar's aggregate classification.
Comment: This variant is classified as likely benign based on ACMG/AMP sequence variant interpretation guidelines (Richards et al. 2015 PMID: 25741868, with internal and published modifications).

Literature cited by the submitters: PubMed 24209692 (cited by Labcorp Genetics (formerly Invitae), Labcorp).

NM_173598.6(KSR2):c.2000A>T (p.Glu667Val)

Gene: KSR2 (kinase suppressor of ras 2; minus strand). Cytogenetic location: 12q24.22.
Variant type: single nucleotide variant.
Coding change: c.2000A>T on transcript NM_173598.6 (MANE Select); coding-DNA position 2000, A replaced by T.
Protein change: p.Glu667Val; replaces glutamic acid 667 with valine.
Molecular consequence: missense variant.
Genome position (GRCh38, 1-based): chr12:117,525,071, T>A on the plus strand (A>T on the coding strand, the complement: KSR2 is on the minus strand). VCF-style: chr12-117525071-T-A. GRCh37 (hg19) VCF-style: chr12-117962876-T-A.
Other names: short protein forms E667V.
Identifiers: ClinVar variation 3042444 (VCV003042444.3), dbSNP rs150163296, ClinGen allele CA6815836.
Genomic context (GRCh38, chr12:117,525,071, plus strand): 5'-CCATGCCAGCGGCCGTGGTACACTTGCCCAAAGCGGCCCTTTCCAATGAGCTCGCCGATC[T>A]CCAGCTGCTCAAAGGGGATGTCCCACTCCTGAAGGAAGATGCTGGTCTGGCTGGCCTTGC-3'
Protein context (NP_775869.4, residues 657-677): QEWDIPFEQL[Glu667Val]IGELIGKGRF